The following is an entry in ClinVar:

ClinVar aggregate classification (germline): Uncertain significance (0 of 4 stars; one submission).

Conditions:
DAGLA-related disorder. Also called: DAGLA-related condition.

Submission:

PreventionGenetics, part of Exact Sciences
Classification: Uncertain significance for DAGLA-related condition. Last evaluated: 2024-09-09. Review status: no assertion criteria provided. Collection method: clinical testing. Allele origin: germline.
Comment: The DAGLA c.2804_2812del9 variant is predicted to result in an in-frame deletion (p.Cys935_Val938delinsLeu). To our knowledge, this variant has not been reported in the literature or in a large population database, indicating this variant is rare. At this time, the clinical significance of this variant is uncertain due to the absence of conclusive functional and genetic evidence.

NM_006133.3(DAGLA):c.2804_2812del (p.Cys935_Val938delinsLeu)

Gene: DAGLA (diacylglycerol lipase alpha; plus strand). Cytogenetic location: 11q12.2.
Variant type: Deletion.
Coding change: c.2804_2812del on transcript NM_006133.3 (MANE Select); coding-DNA positions 2804 to 2812, 9 bases deleted (GCATGGTGG; older notation c.2804_2812delGCATGGTGG).
Protein change: p.Cys935_Val938delinsLeu.
Molecular consequence: inframe indel.
Genome position (GRCh38, 1-based): chr11:61,744,164-61,744,172, GCATGGTGG deleted. VCF-style (leftmost placement, unchanged base first): chr11-61744163-TGCATGGTGG-T. GRCh37 (hg19) VCF-style: chr11-61511635-TGCATGGTGG-T.
Identifiers: ClinVar variation 3351200 (VCV003351200.1).